The following is an entry in ClinVar:

NM_002691.4(POLD1):c.2473G>A (p.Asp825Asn)

Gene: POLD1 (DNA polymerase delta 1, catalytic subunit; plus strand). Cytogenetic location: 19q13.33.
Variant type: single nucleotide variant.
Coding change: c.2473G>A on transcript NM_002691.4 (MANE Select); coding-DNA position 2473, G replaced by A.
Protein change: p.Asp825Asn; replaces aspartic acid 825 with asparagine.
Molecular consequence: missense variant. On other transcripts: non-coding transcript variant (1).
Genome position (GRCh38, 1-based): chr19:50,414,899, G>A. VCF-style: chr19-50414899-G-A. GRCh37 (hg19) VCF-style: chr19-50918156-G-A.
Other names: c.2473G>A (NM_002691.2); c.2473G>A, p.Asp825Asn (NM_001256849.1); c.2551G>A, p.Asp851Asn (NM_001308632.1); short protein forms D851N, D825N.
Identifiers: ClinVar variation 1418335 (VCV001418335.8), dbSNP rs2122466104, ClinGen allele CA406985066.
Genomic context (GRCh38, chr19:50,414,899, plus strand): 5'-AGCAAGAAGCGCTACGCGGGCCTGCTCTTCTCCTCCCGGCCCGACGCCCACGACCGCATG[G>A]ACTGCAAGGGCCTGGAGGCCGTGCGCAGGGACAACTGCCCCCTCGTGGCCAACCTGGTCA-3'
Protein context (NP_002682.2, residues 815-835): SSRPDAHDRM[Asp825Asn]CKGLEAVRRD

ClinVar aggregate classification (germline): Uncertain significance. Review status: criteria provided, multiple submitters, no conflicts (2 of 4 stars). 2 submissions from 2 submitters: Uncertain significance (2). Last evaluated 2024-11-23.

Conditions:
POLD1-related polyposis and colorectal cancer syndrome (CRCS10). Also called: Colorectal cancer, susceptibility to, 10; Colorectal cancer 10; COLORECTAL CANCER, SUSCEPTIBILITY TO, ON CHROMOSOME 19q. Identifiers: Orphanet 220460, MedGen C2675481, MONDO:0012953, OMIM 612591.
Hereditary cancer-predisposing syndrome. Also called: Tumor predisposition; Hereditary Cancer Syndrome; Hereditary neoplastic syndrome; Neoplastic Syndromes, Hereditary. Identifiers: Orphanet 140162, MedGen C0027672, MeSH D009386, MONDO:0015356.

Allele frequency attached by ClinVar (database versions not stated): gnomAD exomes below 0.00001.
gnomAD v4.1: 4 of 1,609,748 alleles (0.00025%); highest among the groups gnomAD compares: Non-Finnish European, 0.00034%; no homozygotes.

Submissions (2):

Labcorp Genetics (formerly Invitae), Labcorp
Classification: Uncertain significance for POLD1-related polyposis and colorectal cancer syndrome. Last evaluated: 2024-11-23. Review status: criteria provided, single submitter. Criteria: Invitae Variant Classification Sherloc (09022015). Collection method: clinical testing. Allele origin: germline.
Comment: This sequence change replaces aspartic acid, which is acidic and polar, with asparagine, which is neutral and polar, at codon 825 of the POLD1 protein (p.Asp825Asn). This variant is not present in population databases (gnomAD no frequency). This variant has not been reported in the literature in individuals affected with POLD1-related conditions. ClinVar contains an entry for this variant (Variation ID: 1418335). Invitae Evidence Modeling of protein sequence and biophysical properties (such as structural, functional, and spatial information, amino acid conservation, physicochemical variation, residue mobility, and thermodynamic stability) indicates that this missense variant is expected to disrupt POLD1 protein function with a positive predictive value of 80%. In summary, the available evidence is currently insufficient to determine the role of this variant in disease. Therefore, it has been classified as a Variant of Uncertain Significance.

Ambry Genetics
Classification: Uncertain significance for Hereditary cancer-predisposing syndrome. Last evaluated: 2024-10-17. Review status: criteria provided, single submitter. Criteria: Ambry Variant Classification Scheme 2023. Collection method: clinical testing. Allele origin: germline.
Comment: The p.D825N variant (also known as c.2473G>A), located in coding exon 19 of the POLD1 gene, results from a G to A substitution at nucleotide position 2473. The aspartic acid at codon 825 is replaced by asparagine, an amino acid with highly similar properties. This amino acid position is conserved. In addition, this alteration is predicted to be tolerated by in silico analysis. Based on the available evidence, the clinical significance of this variant remains unclear.